The following is an entry in ClinVar:

NM_001126108.2(SLC12A3):c.2721-2A>C

Gene: SLC12A3 (solute carrier family 12 member 3; plus strand). Cytogenetic location: 16q13.
Variant type: single nucleotide variant.
Coding change: c.2721-2A>C on transcript NM_001126108.2 (MANE Select); the canonical splice acceptor site of the intron before coding-DNA position 2721, A replaced by C.
Molecular consequence: splice acceptor variant.
Genome position (GRCh38, 1-based): chr16:56,902,371, A>C. VCF-style: chr16-56902371-A-C. GRCh37 (hg19) VCF-style: chr16-56936283-A-C.
Other names: c.2748-2A>C (NM_000339.3); c.2745-2A>C (NM_001126107.2); c.2718-2A>C (NM_001410896.1).
Identifiers: ClinVar variation 2127148 (VCV002127148.4), dbSNP rs2144766556, ClinGen allele CA396000914.

ClinVar aggregate classification (germline): Likely pathogenic (1 of 4 stars; one submission).

Allele frequency attached by ClinVar (database versions not stated): gnomAD exomes below 0.00001.
gnomAD v4.1: 1 of 1,614,120 alleles (0.000062%); highest among the groups gnomAD compares: South Asian, 0.0011%; no homozygotes.

Submission:

Labcorp Genetics (formerly Invitae), Labcorp
Classification: Likely pathogenic. Last evaluated: 2022-11-01. Review status: criteria provided, single submitter. Criteria: Invitae Variant Classification Sherloc (09022015). Collection method: clinical testing. Allele origin: germline.
Comment: This sequence change affects an acceptor splice site in intron 23 of the SLC12A3 gene. It is expected to disrupt RNA splicing. Variants that disrupt the donor or acceptor splice site typically lead to a loss of protein function (PMID: 16199547), and loss-of-function variants in SLC12A3 are known to be pathogenic (PMID: 20848653, 22009145, 25841442). In summary, the currently available evidence indicates that the variant is pathogenic, but additional data are needed to prove that conclusively. Therefore, this variant has been classified as Likely Pathogenic. Algorithms developed to predict the effect of sequence changes on RNA splicing suggest that this variant may disrupt the consensus splice site. This variant has not been reported in the literature in individuals affected with SLC12A3-related conditions. This variant is not present in population databases (gnomAD no frequency).

Literature cited by the submitters: PubMed 16199547; PubMed 20848653; PubMed 22009145; PubMed 25841442.